The following is an entry in ClinVar:

ClinVar aggregate classification (germline): Uncertain significance. Review status: criteria provided, multiple submitters, no conflicts (2 of 4 stars). 2 submissions from 2 submitters: Uncertain significance (2). Last evaluated 2026-05-07.

Conditions:
Polycystic kidney disease, adult type (PKD1). Also called: Polycystic Kidney Disease 1, Autosomal Dominant; Polycystic kidney disease 1; Polycystic kidney disease 1, severe; Polycystic Kidney, Autosomal Dominant; POLYCYSTIC KIDNEY DISEASE 1 WITH OR WITHOUT POLYCYSTIC LIVER DISEASE; POLYCYSTIC KIDNEY DISEASE, ADULT, TYPE I. Identifiers: MedGen C3149841, MONDO:0008263, OMIM 173900.
PKD1-related disorder. Also called: PKD1-related condition.

Submissions (2):

PreventionGenetics, part of Exact Sciences
Classification: Uncertain significance for PKD1-related condition. Last evaluated: 2026-05-07. Review status: criteria provided, single submitter. Criteria: ACMG Guidelines, 2015. Collection method: clinical testing. Allele origin: germline.
Comment: The PKD1 c.11915G>A variant is predicted to result in the amino acid substitution p.Arg3972His. To our knowledge, this variant has not been reported in the literature. This variant is reported in 0.0% of alleles in individuals of African descent in gnomAD. At this time, the clinical significance of this variant is uncertain due to the absence of conclusive functional and genetic evidence.

Dasa
Classification: Uncertain significance for Polycystic kidney disease, adult type. Last evaluated: 2025-05-31. Review status: criteria provided, single submitter. Criteria: DASA Assertion Criteria. Collection method: clinical testing. Allele origin: germline.
Comment: NM_001009944.3(PKD1):c.11915G>A (p.Arg3972His) is a missense variant that results in the substitution of arginine with histidine. This variant is rare in population databases. Computational prediction algorithms are consistent with a benign effect. The currently available literature and clinical evidence are not sufficient to establish a definitive association between this variant and the reported condition. Therefore, this variant is classified as a variant of uncertain significance.

NM_001009944.3(PKD1):c.11915G>A (p.Arg3972His)

Gene: PKD1 (polycystin 1, transient receptor potential channel interacting; minus strand). Cytogenetic location: 16p13.3.
Variant type: single nucleotide variant.
Coding change: c.11915G>A on transcript NM_001009944.3 (MANE Select); coding-DNA position 11915, G replaced by A.
Protein change: p.Arg3972His; replaces arginine 3972 with histidine.
Molecular consequence: missense variant.
Genome position (GRCh38, 1-based): chr16:2,090,972, C>T on the plus strand (G>A on the coding strand, the complement: PKD1 is on the minus strand). VCF-style: chr16-2090972-C-T. GRCh37 (hg19) VCF-style: chr16-2140973-C-T.
Other names: c.11912G>A, p.Arg3971His (NM_000296.4); short protein forms R3971H, R3972H.
Identifiers: ClinVar variation 4880895 (VCV004880895.3).
Genomic context (GRCh38, chr16:2,090,972, plus strand): 5'-GCCGCCAGGCCACGGGCTGCGGAGCTCAGCTGCGCCACCTGGTCGAAGCTAGTGAAGCGG[C>T]GCGGGCGGCCGCGCACGAAACGGGTCCACTGGCGGTCAGCGGCACCCAGCTGGGCGAGGC-3'
Protein context (NP_001009944.3, residues 3962-3982): QWTRFVRGRP[Arg3972His]RFTSFDQVAQ